The following is an entry in ClinVar:

ClinVar aggregate classification (germline): Uncertain significance (1 of 4 stars; one submission).

Submission:

GeneDx
Classification: Uncertain significance. Last evaluated: 2022-07-13. Review status: criteria provided, single submitter. Criteria: GeneDx Variant Classification Process June 2021. Collection method: clinical testing. Allele origin: germline. Affected: yes.
Comment: Not observed at significant frequency in large population cohorts (gnomAD); In silico analysis supports that this missense variant does not alter protein structure/function; Has not been previously published as pathogenic or benign to our knowledge; This variant is associated with the following publications: (PMID: 24894818)

NM_002485.5(NBN):c.169C>G (p.Leu57Val)

Gene: NBN (nibrin; minus strand). Cytogenetic location: 8q21.3.
Variant type: single nucleotide variant.
Coding change: c.169C>G on transcript NM_002485.5 (MANE Select); coding-DNA position 169, C replaced by G.
Protein change: p.Leu57Val; replaces leucine 57 with valine.
Molecular consequence: missense variant. On other transcripts: 5 prime UTR variant (1).
Genome position (GRCh38, 1-based): chr8:89,982,724, G>C on the plus strand (C>G on the coding strand, the complement: NBN is on the minus strand). VCF-style: chr8-89982724-G-C. GRCh37 (hg19) VCF-style: chr8-90994952-G-C.
Other names: c.-128C>G (NM_001024688.3); short protein forms L57V.
Identifiers: ClinVar variation 1878692 (VCV001878692.1), dbSNP rs1586111504, ClinGen allele CA371662869.
Genomic context (GRCh38, chr8:89,982,724, plus strand): 5'-ATATTTTGTGATTTCAACCCCCTTACTGGAAACTAGTGAAATAAAATTAGTAACATACCA[G>C]GTTGGTTACAGAAAAGTTAGCAGTTAACACAGCATGATTTCGGCTGATCGACTGATCATT-3'
Protein context (NP_002476.2, residues 47-67): VLTANFSVTN[Leu57Val]SQTDEIPVLT